The following is an entry in ClinVar:

NM_006846.4(SPINK5):c.1386T>A (p.Asp462Glu)

Gene: SPINK5 (serine peptidase inhibitor Kazal type 5; plus strand). Cytogenetic location: 5q32.
Variant type: single nucleotide variant.
Coding change: c.1386T>A on transcript NM_006846.4 (MANE Select); coding-DNA position 1386, T replaced by A.
Protein change: p.Asp462Glu; replaces aspartic acid 462 with glutamic acid.
Molecular consequence: missense variant.
Genome position (GRCh38, 1-based): chr5:148,101,864, T>A. VCF-style: chr5-148101864-T-A. GRCh37 (hg19) VCF-style: chr5-147481427-T-A.
Other names: c.1386T>A, p.Asp462Glu (NM_001127698.2, NM_001127699.2); short protein forms D462E.
Identifiers: ClinVar variation 837504 (VCV000837504.1), dbSNP rs772479299, ClinGen allele CA361637379.
Genomic context (GRCh38, chr5:148,101,864, plus strand): 5'-ATCCAGGAAAAACGGACGGCTTTTTTGCACCAGAGAGAATGACCCCATCCAGGGCCCAGA[T>A]GGAAAAATGCATGGCAACACCTGCTCCATGTGTGAGGCCTTCTTGTGAGTAGAGCAGTAG-3'
Protein context (NP_006837.2, residues 452-472): TRENDPIQGP[Asp462Glu]GKMHGNTCSM

ClinVar aggregate classification (germline): Uncertain significance (1 of 4 stars; one submission).

Conditions:
Netherton syndrome (NETH). Also called: ERYTHRODERMA, ICHTHYOSIFORM, WITH HYPOTRICHOSIS AND HYPER-IgE; COMEL-NETHERTON SYNDROME; NETHERTON DISEASE. Identifiers: Orphanet 634, MedGen C5574950, MONDO:0009735, OMIM 256500.

Submission:

Labcorp Genetics (formerly Invitae), Labcorp
Classification: Uncertain significance for Netherton syndrome. Last evaluated: 2019-12-27. Review status: criteria provided, single submitter. Criteria: Invitae Variant Classification Sherloc (09022015). Collection method: clinical testing. Allele origin: germline.
Comment: This sequence change replaces aspartic acid with glutamic acid at codon 462 of the SPINK5 protein (p.Asp462Glu). The aspartic acid residue is moderately conserved and there is a small physicochemical difference between aspartic acid and glutamic acid. This variant is not present in population databases (ExAC no frequency). This variant has not been reported in the literature in individuals with SPINK5-related conditions. Algorithms developed to predict the effect of missense changes on protein structure and function (SIFT, PolyPhen-2, Align-GVGD) all suggest that this variant is likely to be tolerated, but these predictions have not been confirmed by published functional studies and their clinical significance is uncertain. In summary, the available evidence is currently insufficient to determine the role of this variant in disease. Therefore, it has been classified as a Variant of Uncertain Significance.